The following is an entry in ClinVar:

ClinVar aggregate classification (germline): Likely benign. Review status: reviewed by expert panel (3 of 4 stars). 5 submissions from 5 submitters: Likely benign (1). 4 of the submissions do not count toward it. Last evaluated 2017-06-29.

Conditions:
BRCA2-related disorder. Also called: BRCA2-related condition; BRCA2-related disorders. Identifiers: MedGen CN239275.
Hereditary breast ovarian cancer syndrome. Also called: Breast and ovarian cancer; BRCA1- and BRCA2-Associated Hereditary Breast and Ovarian Cancer; Hereditary breast and ovarian cancer; Hereditary breast and/or ovarian cancer syndrome; Hereditary breast and ovarian cancer syndrome; Hereditary breast and ovarian cancer syndrome (HBOC). Identifiers: Orphanet 145, MedGen C0677776, MeSH D061325, MONDO:0003582. Disease mechanism: loss of function.
Breast-ovarian cancer, familial, susceptibility to, 2 (BROVCA2). Also called: BRCA2 Hereditary Breast and Ovarian Cancer. Identifiers: Orphanet 145, MedGen C2675520, MONDO:0012933, OMIM 612555. Disease mechanism: loss of function.
Hereditary cancer-predisposing syndrome. Also called: Neoplastic Syndromes, Hereditary; Tumor predisposition; Hereditary neoplastic syndrome; Hereditary Cancer Syndrome. Identifiers: Orphanet 140162, MedGen C0027672, MeSH D009386, MONDO:0015356.

Allele frequency attached by ClinVar (database versions not stated): gnomAD exomes below 0.00001.
gnomAD v4.1: 1 of 1,601,086 alleles (0.000062%); highest among the groups gnomAD compares: Non-Finnish European, 0.000085%; no homozygotes.

Submissions (5):

Evidence-based Network for the Interpretation of Germline Mutant Alleles (ENIGMA)
Classification: Likely benign for Breast-ovarian cancer, familial, susceptibility to, 2. Last evaluated: 2017-06-29. Review status: reviewed by expert panel. Criteria: ENIGMA BRCA1/2 Classification Criteria (2017-06-29). Collection method: curation. Allele origin: germline.
Comment: Synonymous substitution variant, with low bioinformatic likelihood to result in a splicing aberration (Splicing prior probability 0.02).

Ambry Genetics
Classification: Likely benign for Hereditary cancer-predisposing syndrome. Last evaluated: 2026-01-18. Review status: criteria provided, single submitter. Criteria: Ambry Variant Classification Scheme 2023. Collection method: clinical testing. Allele origin: germline. Not counted in ClinVar's aggregate classification.

Labcorp Genetics (formerly Invitae), Labcorp
Classification: Likely benign for Hereditary breast ovarian cancer syndrome. Last evaluated: 2024-03-28. Review status: criteria provided, single submitter. Criteria: Invitae Variant Classification Sherloc (09022015). Collection method: clinical testing. Allele origin: germline. Not counted in ClinVar's aggregate classification.

Color Diagnostics, LLC DBA Color Health
Classification: Likely benign for Hereditary cancer-predisposing syndrome. Last evaluated: 2023-04-11. Review status: criteria provided, single submitter. Criteria: ACMG Guidelines, 2015. Collection method: clinical testing. Allele origin: germline. Not counted in ClinVar's aggregate classification.

PreventionGenetics, part of Exact Sciences
Classification: Likely benign for BRCA2-related condition. Last evaluated: 2022-04-04. Review status: no assertion criteria provided. Collection method: clinical testing. Allele origin: germline. Not counted in ClinVar's aggregate classification.
Comment: This variant is classified as likely benign based on ACMG/AMP sequence variant interpretation guidelines (Richards et al. 2015 PMID: 25741868, with internal and published modifications).

NM_000059.4(BRCA2):c.1482G>A (p.Val494=)

Gene: BRCA2 (BRCA2 DNA repair associated; plus strand). Cytogenetic location: 13q13.1.
Variant type: single nucleotide variant.
Coding change: c.1482G>A on transcript NM_000059.4 (MANE Select); coding-DNA position 1482, G replaced by A.
Protein change: p.Val494=; no amino-acid change (valine 494 retained).
Molecular consequence: synonymous variant.
Genome position (GRCh38, 1-based): chr13:32,332,960, G>A. VCF-style: chr13-32332960-G-A. GRCh37 (hg19) VCF-style: chr13-32907097-G-A.
Identifiers: ClinVar variation 409427 (VCV000409427.16), dbSNP rs1060502387, ClinGen allele CA16613839.